The following is an entry in ClinVar:

ClinVar aggregate classification (germline): Uncertain significance. Review status: criteria provided, multiple submitters, no conflicts (2 of 4 stars). 3 submissions from 3 submitters: Uncertain significance (3). Last evaluated 2024-11-02.

Conditions:
Mitochondrial complex II deficiency, nuclear type 1. Also called: SUCCINATE CoQ REDUCTASE DEFICIENCY. Identifiers: Orphanet 3208, MedGen C5700310, MONDO:0100294, OMIM 252011.
Pheochromocytoma/paraganglioma syndrome 5. Also called: Paragangliomas 5; SDHA-Related Hereditary Paraganglioma-Pheochromocytoma Syndrome. Identifiers: Orphanet 29072, MedGen C3279992, MONDO:0013602, OMIM 614165.
Hereditary cancer-predisposing syndrome. Also called: Hereditary Cancer Syndrome; Hereditary neoplastic syndrome; Neoplastic Syndromes, Hereditary; Tumor predisposition. Identifiers: Orphanet 140162, MedGen C0027672, MeSH D009386, MONDO:0015356.
Dilated cardiomyopathy 1GG (CMD1GG). Identifiers: Orphanet 154, MedGen C3150898, MONDO:0013339, OMIM 613642.

gnomAD v4.1: 1 of 1,461,852 alleles (0.000068%); highest among the groups gnomAD compares: Non-Finnish European, 0.00009%; no homozygotes.

Submissions (3):

Ambry Genetics
Classification: Uncertain significance for Hereditary cancer-predisposing syndrome. Last evaluated: 2024-11-02. Review status: criteria provided, single submitter. Criteria: Ambry Variant Classification Scheme 2023. Collection method: clinical testing. Allele origin: germline.
Comment: The p.G3R variant (also known as c.7G>A), located in coding exon 1 of the SDHA gene, results from a G to A substitution at nucleotide position 7. The glycine at codon 3 is replaced by arginine, an amino acid with dissimilar properties. This amino acid position is well conserved in available vertebrate species. In addition, this alteration is predicted to be tolerated by in silico analysis. Since supporting evidence is limited at this time, the clinical significance of this alteration remains unclear.

Labcorp Genetics (formerly Invitae), Labcorp
Classification: Uncertain significance for Pheochromocytoma/paraganglioma syndrome 5; Mitochondrial complex II deficiency, nuclear type 1. Last evaluated: 2024-03-02. Review status: criteria provided, single submitter. Criteria: Invitae Variant Classification Sherloc (09022015). Collection method: clinical testing. Allele origin: germline.
Comment: This sequence change replaces glycine, which is neutral and non-polar, with arginine, which is basic and polar, at codon 3 of the SDHA protein (p.Gly3Arg). This variant is not present in population databases (gnomAD no frequency). This variant has not been reported in the literature in individuals affected with SDHA-related conditions. ClinVar contains an entry for this variant (Variation ID: 1761600). Advanced modeling of protein sequence and biophysical properties (such as structural, functional, and spatial information, amino acid conservation, physicochemical variation, residue mobility, and thermodynamic stability) performed at Invitae indicates that this missense variant is not expected to disrupt SDHA protein function with a negative predictive value of 95%. In summary, the available evidence is currently insufficient to determine the role of this variant in disease. Therefore, it has been classified as a Variant of Uncertain Significance.

Baylor Genetics
Classification: Uncertain significance for Dilated cardiomyopathy 1GG. Last evaluated: 2024-02-29. Review status: criteria provided, single submitter. Criteria: ACMG Guidelines, 2015. Collection method: clinical testing. Allele origin: unknown.

NM_004168.4(SDHA):c.7G>A (p.Gly3Arg)

Gene: SDHA (succinate dehydrogenase complex flavoprotein subunit A; plus strand). Cytogenetic location: 5p15.33.
Variant type: single nucleotide variant.
Coding change: c.7G>A on transcript NM_004168.4 (MANE Select); coding-DNA position 7, G replaced by A.
Protein change: p.Gly3Arg; replaces glycine 3 with arginine.
Molecular consequence: missense variant.
Genome position (GRCh38, 1-based): chr5:218,362, G>A. VCF-style: chr5-218362-G-A. GRCh37 (hg19) VCF-style: chr5-218477-G-A.
Other names: c.7G>A, p.Gly3Arg (NM_001294332.2, NM_001330758.2); short protein forms G3R.
Identifiers: ClinVar variation 1761600 (VCV001761600.7), dbSNP rs756415935, ClinGen allele CA3172679.